The following is an entry in ClinVar:

NM_006343.3(MERTK):c.782G>C (p.Ser261Thr)

Gene: MERTK (MER proto-oncogene, tyrosine kinase; plus strand). Cytogenetic location: 2q13.
Variant type: single nucleotide variant.
Coding change: c.782G>C on transcript NM_006343.3 (MANE Select); coding-DNA position 782, G replaced by C.
Protein change: p.Ser261Thr; replaces serine 261 with threonine.
Molecular consequence: missense variant.
Genome position (GRCh38, 1-based): chr2:111,965,215, G>C. VCF-style: chr2-111965215-G-C. GRCh37 (hg19) VCF-style: chr2-112722792-G-C.
Other names: short protein forms S261T.
Identifiers: ClinVar variation 330748 (VCV000330748.12), dbSNP rs142284609, ClinGen allele CA1831172.

ClinVar aggregate classification (germline): Uncertain significance. Review status: criteria provided, multiple submitters, no conflicts (2 of 4 stars). 3 submissions from 3 submitters: Uncertain significance (3). Last evaluated 2025-03-07.

Conditions:
Retinitis pigmentosa (RP). Identifiers: Orphanet 791, MedGen C0035334, MeSH D012174, MONDO:0019200, OMIM 268000. Inheritance: Autosomal dominant, autosomal recessive and X linked inheritance.

Submissions (3):

Labcorp Genetics (formerly Invitae), Labcorp
Classification: Uncertain significance. Last evaluated: 2025-03-07. Review status: criteria provided, single submitter. Criteria: Invitae Variant Classification Sherloc (09022015). Collection method: clinical testing. Allele origin: germline.
Comment: This sequence change replaces serine, which is neutral and polar, with threonine, which is neutral and polar, at codon 261 of the MERTK protein (p.Ser261Thr). This variant is present in population databases (rs142284609, gnomAD 0.06%). This variant has not been reported in the literature in individuals affected with MERTK-related conditions. ClinVar contains an entry for this variant (Variation ID: 330748). Invitae Evidence Modeling of protein sequence and biophysical properties (such as structural, functional, and spatial information, amino acid conservation, physicochemical variation, residue mobility, and thermodynamic stability) indicates that this missense variant is not expected to disrupt MERTK protein function with a negative predictive value of 80%. In summary, the available evidence is currently insufficient to determine the role of this variant in disease. Therefore, it has been classified as a Variant of Uncertain Significance.

Blueprint Genetics
Classification: Uncertain significance. Last evaluated: 2024-02-12. Review status: criteria provided, single submitter. Criteria: ACMG Guidelines, 2015. Collection method: clinical testing. Allele origin: germline.

Illumina Laboratory Services, Illumina
Classification: Uncertain significance for Retinitis pigmentosa. Last evaluated: 2018-01-13. Review status: criteria provided, single submitter. Criteria: ICSL Variant Classification Criteria 13 December 2019. Collection method: clinical testing. Allele origin: germline.